The following is an entry in ClinVar:

NM_001035.3(RYR2):c.12343C>T (p.Leu4115Phe)

Gene: RYR2 (ryanodine receptor 2; plus strand). Cytogenetic location: 1q43.
Variant type: single nucleotide variant.
Coding change: c.12343C>T on transcript NM_001035.3 (MANE Select); coding-DNA position 12343, C replaced by T.
Protein change: p.Leu4115Phe; replaces leucine 4115 with phenylalanine.
Molecular consequence: missense variant.
Genome position (GRCh38, 1-based): chr1:237,784,055, C>T. VCF-style: chr1-237784055-C-T. GRCh37 (hg19) VCF-style: chr1-237947355-C-T.
Other names: short protein forms L4115F.
Identifiers: ClinVar variation 1007679 (VCV001007679.10), dbSNP rs1695349832, ClinGen allele CA345413011.
Genomic context (GRCh38, chr1:237,784,055, plus strand): 5'-GGCTTCAACGTCGCCGTCCTTCTGACAAACCTCTCTGAGCACATGCCCAACGATACCCGA[C>T]TTCAGACTTTTCTGGAATTAGCAGAGAGCGTCCTGAATTATTTCCAGCCCTTTCTGGGCC-3'
Protein context (NP_001026.2, residues 4105-4125): LSEHMPNDTR[Leu4115Phe]QTFLELAESV

ClinVar aggregate classification (germline): Likely pathogenic (1 of 4 stars; one submission).

Conditions:
Catecholaminergic polymorphic ventricular tachycardia 1. Also called: RYR2-Related Catecholaminergic Polymorphic Ventricular Tachycardia; VENTRICULAR TACHYCARDIA, CATECHOLAMINERGIC POLYMORPHIC, 1, WITH OR WITHOUT ATRIAL DYSFUNCTION AND/OR DILATED CARDIOMYOPATHY; VENTRICULAR TACHYCARDIA, STRESS-INDUCED POLYMORPHIC 1. Identifiers: Orphanet 3286, MedGen C1631597, MONDO:0011484, OMIM 604772.

Submission:

Labcorp Genetics (formerly Invitae), Labcorp
Classification: Likely pathogenic for Catecholaminergic polymorphic ventricular tachycardia 1. Last evaluated: 2023-04-24. Review status: criteria provided, single submitter. Criteria: Invitae Variant Classification Sherloc (09022015). Collection method: clinical testing. Allele origin: germline.
Comment: In summary, the currently available evidence indicates that the variant is pathogenic, but additional data are needed to prove that conclusively. Therefore, this variant has been classified as Likely Pathogenic. Advanced modeling of protein sequence and biophysical properties (such as structural, functional, and spatial information, amino acid conservation, physicochemical variation, residue mobility, and thermodynamic stability) performed at Invitae indicates that this missense variant is expected to disrupt RYR2 protein function. ClinVar contains an entry for this variant (Variation ID: 1007679). This missense change has been observed in individuals with clinical features consistent with catecholaminergic polymorphic ventricular tachycardia (PMID: 21954897, 29760739; Invitae). This variant is not present in population databases (gnomAD no frequency). This sequence change replaces leucine, which is neutral and non-polar, with phenylalanine, which is neutral and non-polar, at codon 4115 of the RYR2 protein (p.Leu4115Phe).

Literature cited by the submitters: PubMed 21954897; PubMed 29760739.